The following is an entry in ClinVar:

NM_002485.5(NBN):c.1281A>G (p.Pro427=)

Gene: NBN (nibrin; minus strand). Cytogenetic location: 8q21.3.
Variant type: single nucleotide variant.
Coding change: c.1281A>G on transcript NM_002485.5 (MANE Select); coding-DNA position 1281, A replaced by G.
Protein change: p.Pro427=; no amino-acid change (proline 427 retained).
Molecular consequence: synonymous variant.
Genome position (GRCh38, 1-based): chr8:89,955,399, T>C on the plus strand (A>G on the coding strand, the complement: NBN is on the minus strand). VCF-style: chr8-89955399-T-C. GRCh37 (hg19) VCF-style: chr8-90967627-T-C.
Other names: c.1035A>G, p.Pro345= (NM_001024688.3).
Identifiers: ClinVar variation 492087 (VCV000492087.18), dbSNP rs1554559167, ClinGen allele CA462114939.

ClinVar aggregate classification (germline): Likely benign. Review status: criteria provided, multiple submitters, no conflicts (2 of 4 stars). 3 submissions from 3 submitters: Likely benign (3). Last evaluated 2025-07-10.

Conditions:
Hereditary cancer-predisposing syndrome. Also called: Tumor predisposition; Neoplastic Syndromes, Hereditary; Hereditary Cancer Syndrome; Hereditary neoplastic syndrome. Identifiers: Orphanet 140162, MedGen C0027672, MeSH D009386, MONDO:0015356.
Microcephaly, normal intelligence and immunodeficiency (NBS). Also called: BERLIN BREAKAGE SYNDROME; Ataxia telangiectasia variant V1; IMMUNODEFICIENCY, MICROCEPHALY, AND CHROMOSOMAL INSTABILITY; SEEMANOVA SYNDROME II; Immunodeficiency, microcephaly with normal intelligence; Nijmegen breakage syndrome. Identifiers: Orphanet 647, MedGen C0398791, MONDO:0009623, OMIM 251260.

Allele frequency attached by ClinVar (database versions not stated): gnomAD 0.00001; gnomAD exomes below 0.00001; TOPMed below 0.00001.

Submissions (3):

Labcorp Genetics (formerly Invitae), Labcorp
Classification: Likely benign for Microcephaly, normal intelligence and immunodeficiency. Last evaluated: 2025-07-10. Review status: criteria provided, single submitter. Criteria: Invitae Variant Classification Sherloc (09022015). Collection method: clinical testing. Allele origin: germline.

Ambry Genetics
Classification: Likely benign for Hereditary cancer-predisposing syndrome. Last evaluated: 2018-05-22. Review status: criteria provided, single submitter. Criteria: Ambry Variant Classification Scheme 2023. Collection method: clinical testing. Allele origin: germline.

GeneDx
Classification: Likely benign. Last evaluated: 2017-08-23. Review status: criteria provided, single submitter. Criteria: GeneDx Variant Classification (06012015). Collection method: clinical testing. Allele origin: germline. Affected: yes.
Comment: This variant is considered likely benign or benign based on one or more of the following criteria: it is a conservative change, it occurs at a poorly conserved position in the protein, it is predicted to be benign by multiple in silico algorithms, and/or has population frequency not consistent with disease.